The following is an entry in ClinVar:

NM_004984.4(KIF5A):c.820-82C>T

Gene: KIF5A (kinesin family member 5A; plus strand). Cytogenetic location: 12q13.3.
Variant type: single nucleotide variant.
Coding change: c.820-82C>T on transcript NM_004984.4 (MANE Select); 82 bases into the intron before coding-DNA position 820, C replaced by T.
Molecular consequence: intron variant.
Genome position (GRCh38, 1-based): chr12:57,569,174, C>T. VCF-style: chr12-57569174-C-T. GRCh37 (hg19) VCF-style: chr12-57962957-C-T.
Other names: c.553-82C>T (NM_001354705.2).
Identifiers: ClinVar variation 675469 (VCV000675469.1), dbSNP rs116892071, ClinGen allele CA237783232.

ClinVar aggregate classification (germline): Likely benign (1 of 4 stars; one submission).

Allele frequency attached by ClinVar (database versions not stated): 1000 Genomes Project 0.00260; 1000 Genomes Project 30x 0.00265; TOPMed 0.00427; gnomAD 0.00454 and 0.00477; gnomAD exomes 0.00627.
gnomAD v4.1: 9,551 of 1,579,990 alleles (0.6%); highest among the groups gnomAD compares: Non-Finnish European, 0.71%; 52 homozygotes.

Submission:

GeneDx
Classification: Likely benign. Last evaluated: 2018-06-16. Review status: criteria provided, single submitter. Criteria: GeneDx Variant Classification (06012015). Collection method: clinical testing. Allele origin: germline. Affected: yes.
Comment: This variant is considered likely benign or benign based on one or more of the following criteria: it is a conservative change, it occurs at a poorly conserved position in the protein, it is predicted to be benign by multiple in silico algorithms, and/or has population frequency not consistent with disease.